The following is an entry in ClinVar:

ClinVar aggregate classification (germline): Uncertain significance. Review status: criteria provided, multiple submitters, no conflicts (2 of 4 stars). 3 submissions from 3 submitters: Uncertain significance (3). Last evaluated 2025-02-09.

Conditions:
Familial adenomatous polyposis 1 (FAP1). Also called: POLYPOSIS, ADENOMATOUS INTESTINAL; FAMILIAL ADENOMATOUS POLYPOSIS 1, ATTENUATED. Identifiers: MedGen C2713442, MONDO:0021056, OMIM 175100. Disease mechanism: loss of function.
Hereditary cancer-predisposing syndrome. Also called: Hereditary neoplastic syndrome; Neoplastic Syndromes, Hereditary; Tumor predisposition; Hereditary Cancer Syndrome. Identifiers: Orphanet 140162, MedGen C0027672, MeSH D009386, MONDO:0015356.

Allele frequency attached by ClinVar (database versions not stated): TOPMed below 0.00001; gnomAD 0.00001; gnomAD exomes 0.00001.
gnomAD v4.1: 9 of 1,613,952 alleles (0.00056%); highest among the groups gnomAD compares: Non-Finnish European, 0.00068%; no homozygotes.

Submissions (3):

Labcorp Genetics (formerly Invitae), Labcorp
Classification: Uncertain significance for Familial adenomatous polyposis 1. Last evaluated: 2025-02-09. Review status: criteria provided, single submitter. Criteria: Invitae Variant Classification Sherloc (09022015). Collection method: clinical testing. Allele origin: germline.
Comment: This sequence change replaces cysteine, which is neutral and slightly polar, with arginine, which is basic and polar, at codon 417 of the APC protein (p.Cys417Arg). This variant is not present in population databases (gnomAD no frequency). This variant has not been reported in the literature in individuals affected with APC-related conditions. ClinVar contains an entry for this variant (Variation ID: 469701). Invitae Evidence Modeling of protein sequence and biophysical properties (such as structural, functional, and spatial information, amino acid conservation, physicochemical variation, residue mobility, and thermodynamic stability) has been performed for this missense variant. However, the output from this modeling did not meet the statistical confidence thresholds required to predict the impact of this variant on APC protein function. In summary, the available evidence is currently insufficient to determine the role of this variant in disease. Therefore, it has been classified as a Variant of Uncertain Significance.

Ambry Genetics
Classification: Uncertain significance for Hereditary cancer-predisposing syndrome. Last evaluated: 2023-09-01. Review status: criteria provided, single submitter. Criteria: Ambry Variant Classification Scheme 2023. Collection method: clinical testing. Allele origin: germline.
Comment: The p.C417R variant (also known as c.1249T>C), located in coding exon 9 of the APC gene, results from a T to C substitution at nucleotide position 1249. The cysteine at codon 417 is replaced by arginine, an amino acid with highly dissimilar properties. This amino acid position is highly conserved in available vertebrate species. In addition, in silico predictors for this gene do not accurately predict pathogenicity. Since supporting evidence is limited at this time, the clinical significance of this alteration remains unclear.

Color Diagnostics, LLC DBA Color Health
Classification: Uncertain significance for Hereditary cancer-predisposing syndrome. Last evaluated: 2019-10-10. Review status: criteria provided, single submitter. Criteria: ACMG Guidelines, 2015. Collection method: clinical testing. Allele origin: germline.
Comment: This missense variant replaces cysteine with arginine at codon 417 of the APC protein. Computational prediction tool suggests that this variant may have deleterious impact on protein structure and function (internally defined REVEL score threshold ≥0.7, PMID: 27666373). Splice site prediction tools suggest that this variant may not impact RNA splicing. To our knowledge, functional studies have not been performed for this variant. This variant has not been reported in individuals affected with hereditary cancer in the literature. This variant has not been identified in the general population by the Genome Aggregation Database (gnomAD). The available evidence is insufficient to determine the role of this variant in disease conclusively. Therefore, this variant is classified as a Variant of Uncertain Significance.

NM_000038.6(APC):c.1249T>C (p.Cys417Arg)

Gene: APC (APC regulator of Wnt signaling pathway; plus strand). Cytogenetic location: 5q22.2.
Variant type: single nucleotide variant.
Coding change: c.1249T>C on transcript NM_000038.6 (MANE Select); coding-DNA position 1249, T replaced by C.
Protein change: p.Cys417Arg; replaces cysteine 417 with arginine.
Molecular consequence: missense variant.
Genome position (GRCh38, 1-based): chr5:112,819,281, T>C. VCF-style: chr5-112819281-T-C. GRCh37 (hg19) VCF-style: chr5-112154978-T-C.
Other names: c.1249T>C, p.Cys417Arg (NM_001127510.3, NM_001354895.2, NM_001354896.2); c.1195T>C, p.Cys399Arg (NM_001127511.3); c.1279T>C, p.Cys427Arg (NM_001354897.2); c.1174T>C, p.Cys392Arg (NM_001354898.2); c.1165T>C, p.Cys389Arg (NM_001354899.2); c.1072T>C, p.Cys358Arg (NM_001354900.2, NM_001354901.2); c.976T>C, p.Cys326Arg (NM_001354902.2); c.946T>C, p.Cys316Arg (NM_001354903.2); and 3 more; short protein forms C417R, C399R, C316R, C392R, C427R, C134R, C326R, C257R.
Identifiers: ClinVar variation 469701 (VCV000469701.17), dbSNP rs1443626644, ClinGen allele CA16024034.